The following is an entry in ClinVar:

NM_032801.5(JAM3):c.870A>T (p.Gly290=)

Gene: JAM3 (junctional adhesion molecule 3; plus strand). Cytogenetic location: 11q25.
Variant type: single nucleotide variant.
Coding change: c.870A>T on transcript NM_032801.5 (MANE Select); coding-DNA position 870, A replaced by T.
Protein change: p.Gly290=; no amino-acid change (glycine 290 retained).
Molecular consequence: synonymous variant.
Genome position (GRCh38, 1-based): chr11:134,148,791, A>T. VCF-style: chr11-134148791-A-T. GRCh37 (hg19) VCF-style: chr11-134018686-A-T.
Other names: c.717A>T, p.Gly239= (NM_001205329.2).
Identifiers: ClinVar variation 5000833 (VCV005000833.1).

ClinVar aggregate classification (germline): Likely benign (1 of 4 stars; one submission).

Conditions:
JAM3-related disorder. Also called: JAM3-related condition.

gnomAD v4.1: 5 of 1,614,166 alleles (0.00031%); highest among the groups gnomAD compares: Non-Finnish European, 0.00042%; no homozygotes.

Submission:

PreventionGenetics, part of Exact Sciences
Classification: Likely benign for JAM3-related condition. Last evaluated: 2025-03-14. Review status: criteria provided, single submitter. Criteria: ACMG Guidelines, 2015. Collection method: clinical testing. Allele origin: germline.
Comment: This variant is classified as likely benign based on ACMG/AMP sequence variant interpretation guidelines (Richards et al. 2015 PMID: 25741868, with internal and published modifications).